The following is an entry in ClinVar:

ClinVar aggregate classification (germline): Pathogenic/Likely pathogenic. Review status: criteria provided, multiple submitters, no conflicts (2 of 4 stars). 21 submissions from 21 submitters: Pathogenic (17); Likely pathogenic (2). 2 of the submissions do not count toward it. Last evaluated 2026-01-04.

Conditions:
MYH7-related disorder. Also called: MYH7-related disorders; MYH7-related condition; MYH7-related disease.
Myosin storage myopathy (CMYO7A). Also called: SCAPULOPERONEAL MUSCULAR DYSTROPHY; SCAPULOPERONEAL SYNDROME, MYOPATHIC TYPE; MYOPATHY, HYALINE BODY, AUTOSOMAL DOMINANT; Scapuloperoneal myopathy, MYH7-related; MYOPATHY WITH LYSIS OF TYPE I MYOFIBRILS; MYH7-related late-onset scapuloperoneal muscular dystrophy. Identifiers: Orphanet 437572, Orphanet 636965, MedGen C1842160, MONDO:0008409, OMIM 608358.
Myopathy, myosin storage, autosomal recessive (CMYO7B). Also called: CONGENITAL MYOPATHY 7B, MYOSIN STORAGE, AUTOSOMAL RECESSIVE. Identifiers: Orphanet 636970, MedGen C1850709, MONDO:0009708, OMIM 255160.
Hypertrophic cardiomyopathy 1 (CMH1). Also called: Familial hypertrophic cardiomyopathy 1; MYH7-Related Familial Hypertrophic Cardiomyopathy. Identifiers: MedGen C3495498, MONDO:0008647, OMIM 192600.
MYH7-related skeletal myopathy. Also called: Myopathy, distal, 1; MYOPATHY, DISTAL, EARLY-ONSET, AUTOSOMAL DOMINANT; MYOPATHY, LATE DISTAL HEREDITARY; Laing distal myopathy; Laing early-onset distal myopathy. Identifiers: Orphanet 59135, MedGen C4552004, MONDO:0008050, OMIM 160500.
Dilated cardiomyopathy 1S (CMD1S). Identifiers: Orphanet 154, Orphanet 54260, MedGen C1834481, MONDO:0013262, OMIM 613426.
Congenital myopathy with fiber type disproportion. Also called: Congenital fiber-type disproportion myopathy; Congenital fiber-type disproportion. Identifiers: Orphanet 2020, MedGen C0546264, MONDO:0009711. Inheritance: all.
Cardiovascular phenotype. Identifiers: MedGen CN230736.
Cardiomyopathy (CMYO). Also called: Cardiomyopathies. Identifiers: Orphanet 167848, MedGen C0878544, MONDO:0004994, HP:0001638. Inheritance: Various modes of inheritance.
Hypertrophic cardiomyopathy. Also called: HYPERTROPHIC MYOCARDIOPATHY. Identifiers: Orphanet 217569, MedGen C0007194, MeSH D002312, MONDO:0005045, HP:0001639.

gnomAD v4.1: 1 of 1,614,188 alleles (0.000062%); no homozygotes.

Submissions 1 to 9 of 21:

Labcorp Genetics (formerly Invitae), Labcorp
Classification: Pathogenic for Hypertrophic cardiomyopathy. Last evaluated: 2026-01-04. Review status: criteria provided, single submitter. Criteria: Invitae Variant Classification Sherloc (09022015). Collection method: clinical testing. Allele origin: germline.
Comment: This sequence change replaces arginine, which is basic and polar, with glutamine, which is neutral and polar, at codon 249 of the MYH7 protein (p.Arg249Gln). This variant is not present in population databases (gnomAD no frequency). This missense change has been observed in individual(s) with hypertrophic cardiomyopathy and/or left ventricular non-compaction (PMID: 1944483, 7662452, 10065021, 23549607, 24691700, 25351510, 27532257, 27841901). In at least one individual the variant was observed to be de novo. It has also been observed to segregate with disease in related individuals. ClinVar contains an entry for this variant (Variation ID: 14088). Invitae Evidence Modeling of protein sequence and biophysical properties (such as structural, functional, and spatial information, amino acid conservation, physicochemical variation, residue mobility, and thermodynamic stability) indicates that this missense variant is expected to disrupt MYH7 protein function with a positive predictive value of 95%. Experimental studies have shown that this missense change affects MYH7 function (PMID: 9826622). Algorithms developed to predict the effect of sequence changes on RNA splicing suggest that this variant may disrupt the consensus splice site. For these reasons, this variant has been classified as Pathogenic.

PreventionGenetics, part of Exact Sciences
Classification: Pathogenic for MYH7-related condition. Last evaluated: 2025-12-31. Review status: criteria provided, single submitter. Criteria: ACMG Guidelines, 2015. Collection method: clinical testing. Allele origin: germline.
Comment: The MYH7 c.746G>A variant is predicted to result in the amino acid substitution p.Arg249Gln. This variant has been reported in many individuals with hypertrophic cardiomyopathy and segregates with disease in multiple families (see for example: Rosenzweig et al. 1991. PubMed ID: 1944483; Posen et al. 1995. PubMed ID: 7662452), including de novo cases (Arbustini et al. 1998. PubMed ID: 10065021; Greber-Platzer et al. 2001. PubMed ID: 11133230). This variant has also been reported in a cohort study of left ventricular noncompaction cardiomyopathy (Table S1, Li et al. 2019. PubMed ID: 31397097). Functional studies showed that this variant impairs ATPase activity (Roopnarine et al. 1998. PubMed ID: 9826622). This variant has not been reported in a large population database (gnomAD), indicating this variant is rare. This variant is interpreted as pathogenic.

Dasa
Classification: Pathogenic. Last evaluated: 2025-08-28. Review status: criteria provided, single submitter. Criteria: DASA Assertion Criteria. Collection method: clinical testing. Allele origin: germline.
Comment: NM_000257.4(MYH7):c.746G>A (p.Arg249Gln) is a missense variant that results in the substitution of arginine with glutamine. The affected residue or protein region has prior evidence supporting clinical relevance. Segregation evidence has been reported in affected families. Functional evidence supports a deleterious effect on the gene or gene product (PMID: 9826622; PMID: 1944483; PMID: 7662452). This variant has been recurrently observed in individuals with related phenotype (PMID: 9826622; PMID: 1944483; PMID: 7662452). Multiple computational predictions support a deleterious effect on the gene or gene product. The variant is present at low frequency in population datasets. Based on the available data, this variant is classified as pathogenic.

Ambry Genetics
Classification: Pathogenic for Cardiovascular phenotype. Last evaluated: 2025-03-28. Review status: criteria provided, single submitter. Criteria: Ambry Variant Classification Scheme 2023. Collection method: clinical testing. Allele origin: germline.
Comment: The p.R249Q pathogenic mutation (also known as c.746G>A), located in coding exon 7 of the MYH7 gene, results from a G to A substitution at nucleotide position 746. The arginine at codon 249 is replaced by glutamine, an amino acid with highly similar properties. This alteration is located in the myosin head domain, which contains a statistically significant clustering of pathogenic missense variants (Homburger JR et al. Proc Natl Acad Sci U S A, 2016 06;113:6701-6; Walsh R et al. Genet Med, 2017 02;19:192-203; Ambry internal data). This variant was identified in one or more individuals with features consistent with hypertrophic cardiomyopathy, segregated with disease in at least one family, and was determined to be de novo in at least one individual (Rosenzweig A et al. N. Engl. J. Med. 1991;325:1753-60; Posen BM et al. Br Heart J. 1995;74:40-6; Arbustini E et al. Heart. 1998;80:548-58; Greber-Platzer S et al. J. Mol. Cell. Cardiol., 2001;33:141-8; Otsuka H et al. Circ. J. 2012;76:453-61; Kassem HSh et al. J Cardiovasc Transl Res. 2013;6:65-80; Marsiglia JD et al. Am. Heart J. 2013;166:775-82). This amino acid position is highly conserved in available vertebrate species. In addition, this alteration is predicted to be deleterious by in silico analysis. This variant is considered to be rare based on population cohorts in the Genome Aggregation Database (gnomAD). Based on the supporting evidence, this alteration is interpreted as a disease-causing mutation.

Molecular Diagnostic Laboratory for Inherited Cardiovascular Disease, Montreal Heart Institute
Classification: Pathogenic for Cardiovascular phenotype. Last evaluated: 2024-10-23. Review status: criteria provided, single submitter. Criteria: ACMG Guidelines, 2015. Collection method: clinical testing. Allele origin: germline. Affected: yes.
Comment: PS2, PS4, PP1_ fort, PS3_mod, PM1, PM2, PM5, PP3

3billion
Classification: Pathogenic for Hypertrophic cardiomyopathy 1. Last evaluated: 2023-02-23. Review status: criteria provided, single submitter. Criteria: ACMG Guidelines, 2015. Collection method: clinical testing. Allele origin: unknown. Affected: yes.
Comment: The variant is not observed in the gnomAD v2.1.1 dataset. The variant is located in a mutational hot spot and/or well-established functional domain in which established pathogenic variants have been reported (PMID:. 29300372.). In silico tool predictions suggest damaging effect of the variant on gene or gene product (REVEL: 0.92; 3Cnet: 0.98). Same nucleotide change resulting in same amino acid change has been previously reported as pathogenic/likely pathogenic with strong evidence (ClinVar ID: VCV000014088). Different missense changes at the same codon (p.Arg249Gly, p.Arg249Leu) have been reported to be associated with MYH7 related disorder (ClinVar ID: VCV000635223 / PMID: 24691700). Therefore, this variant is classified as Pathogenic according to the recommendation of ACMG/AMP guideline.

Blueprint Genetics
Classification: Pathogenic for MYH7-related disorders. Last evaluated: 2022-10-31. Review status: criteria provided, single submitter. Criteria: ACMG Guidelines, 2015. Collection method: clinical testing. Allele origin: germline. Affected: yes. Observed: 5 variant alleles.

Clinical Genetics Laboratory, Skane University Hospital Lund
Classification: Pathogenic. Last evaluated: 2022-07-13. Review status: criteria provided, single submitter. Criteria: ACMG Guidelines, 2015. Collection method: clinical testing. Allele origin: germline. Affected: yes.

CeGaT Center for Human Genetics Tuebingen
Classification: Likely pathogenic. Last evaluated: 2022-05-01. Review status: criteria provided, single submitter. Criteria: CeGaT Center For Human Genetics Tuebingen Variant Classification Criteria Version 2. Collection method: clinical testing. Allele origin: germline. Affected: yes. Observed: 1 variant allele.
Comment: MYH7: PM1, PM2, PP2, PS3:Supporting, PS4:Supporting

NM_000257.4(MYH7):c.746G>A (p.Arg249Gln)

Gene: MYH7 (myosin heavy chain 7; minus strand). Cytogenetic location: 14q11.2.
Variant type: single nucleotide variant.
Coding change: c.746G>A on transcript NM_000257.4 (MANE Select); coding-DNA position 746, G replaced by A.
Protein change: p.Arg249Gln; replaces arginine 249 with glutamine.
Molecular consequence: missense variant.
Genome position (GRCh38, 1-based): chr14:23,431,468, C>T on the plus strand (G>A on the coding strand, the complement: MYH7 is on the minus strand). VCF-style: chr14-23431468-C-T. GRCh37 (hg19) VCF-style: chr14-23900677-C-T.
Other names: p.R249Q:CGA>CAA; short protein forms R249Q.
Identifiers: ClinVar variation 14088 (VCV000014088.69), dbSNP rs3218713, ClinGen allele CA016781.